The following is an entry in ClinVar:

ClinVar aggregate classification (germline): Pathogenic (1 of 4 stars; one submission).

Conditions:
Marfan syndrome (MFS). Also called: MARFAN SYNDROME, TYPE I; Marfan syndrome type 1; Marfan's syndrome; Marfan syndrome, classic; FBN1-Related Marfan Syndrome. Identifiers: Orphanet 284963, Orphanet 558, MedGen C0024796, MONDO:0007947, OMIM 154700.
Familial thoracic aortic aneurysm and aortic dissection (TAAD). Also called: Thoracic aortic aneurysms and dissections. Identifiers: Orphanet 91387, MedGen C4707243, MONDO:0019625.

Submission:

Labcorp Genetics (formerly Invitae), Labcorp
Classification: Pathogenic for Marfan syndrome; Familial thoracic aortic aneurysm and aortic dissection. Last evaluated: 2024-07-20. Review status: criteria provided, single submitter. Criteria: Invitae Variant Classification Sherloc (09022015). Collection method: clinical testing. Allele origin: germline.
Comment: This sequence change affects a donor splice site in intron 35 of the FBN1 gene. It is expected to disrupt RNA splicing. Variants that disrupt the donor or acceptor splice site typically lead to a loss of protein function (PMID: 16199547), and loss-of-function variants in FBN1 are known to be pathogenic (PMID: 17657824, 19293843). This variant is not present in population databases (gnomAD no frequency). Disruption of this splice site has been observed in individuals with Marfan syndrome (PMID: 16222657, 19293843). ClinVar contains an entry for this variant (Variation ID: 1457971). Algorithms developed to predict the effect of sequence changes on RNA splicing suggest that this variant may disrupt the consensus splice site. For these reasons, this variant has been classified as Pathogenic.

Literature cited by the submitters: PubMed 16199547; PubMed 17657824; PubMed 19293843; PubMed 16222657.

NM_000138.5(FBN1):c.4336+1G>A

Genes: FBN1 (fibrillin 1; minus strand), LOC126862124 (CDK7 strongly-dependent group 2 enhancer GRCh37_chr15:48764566-48765765; plus strand). Cytogenetic location: 15q21.1.
Variant type: single nucleotide variant.
Coding change: c.4336+1G>A on transcript NM_000138.5 (MANE Select); the canonical splice donor site of the intron after coding-DNA position 4336, G replaced by A.
Molecular consequence: splice donor variant.
Genome position (GRCh38, 1-based): chr15:48,472,550, C>T on the plus strand (G>A on the coding strand, the complement: FBN1 is on the minus strand). VCF-style: chr15-48472550-C-T. GRCh37 (hg19) VCF-style: chr15-48764747-C-T.
Other names: c.4336+1G>A (NM_001406716.1).
Identifiers: ClinVar variation 1457971 (VCV001457971.8), dbSNP rs2141277821, ClinGen allele CA392317525.